The following is an entry in ClinVar:

NM_001206927.2(DNAH8):c.4543A>G (p.Ile1515Val)

Gene: DNAH8 (dynein axonemal heavy chain 8; plus strand). Cytogenetic location: 6p21.2.
Variant type: single nucleotide variant.
Coding change: c.4543A>G on transcript NM_001206927.2 (MANE Select); coding-DNA position 4543, A replaced by G.
Protein change: p.Ile1515Val; replaces isoleucine 1515 with valine.
Molecular consequence: missense variant.
Genome position (GRCh38, 1-based): chr6:38,842,444, A>G. VCF-style: chr6-38842444-A-G. GRCh37 (hg19) VCF-style: chr6-38810220-A-G.
Other names: c.3892A>G, p.Ile1298Val (NM_001371.4); short protein forms I1515V, I1298V.
Identifiers: ClinVar variation 525441 (VCV000525441.10), dbSNP rs1554226304, ClinGen allele CA364002825.

ClinVar aggregate classification (germline): Uncertain significance. Review status: criteria provided, multiple submitters, no conflicts (2 of 4 stars). 2 submissions from 2 submitters: Uncertain significance (2). Last evaluated 2024-04-06.

Conditions:
Primary ciliary dyskinesia. Also called: Ciliary dyskinesia. Identifiers: Orphanet 244, MedGen C0008780, MONDO:0016575, HP:0012265.

gnomAD v4.1: 1 of 1,613,288 alleles (0.000062%); no homozygotes.

Submissions (2):

Ambry Genetics
Classification: Uncertain significance. Last evaluated: 2024-04-06. Review status: criteria provided, single submitter. Criteria: Ambry Variant Classification Scheme 2023. Collection method: clinical testing. Allele origin: germline.

Labcorp Genetics (formerly Invitae), Labcorp
Classification: Uncertain significance for Primary ciliary dyskinesia. Last evaluated: 2022-07-11. Review status: criteria provided, single submitter. Criteria: Invitae Variant Classification Sherloc (09022015). Collection method: clinical testing. Allele origin: germline.
Comment: This variant is not present in population databases (gnomAD no frequency). In summary, the available evidence is currently insufficient to determine the role of this variant in disease. Therefore, it has been classified as a Variant of Uncertain Significance. Algorithms developed to predict the effect of sequence changes on RNA splicing suggest that this variant may create or strengthen a splice site. Algorithms developed to predict the effect of missense changes on protein structure and function are either unavailable or do not agree on the potential impact of this missense change (SIFT: "Tolerated"; PolyPhen-2: "Not Available"; Align-GVGD: "Class C0"). ClinVar contains an entry for this variant (Variation ID: 525441). This variant has not been reported in the literature in individuals affected with DNAH8-related conditions. This sequence change replaces isoleucine, which is neutral and non-polar, with valine, which is neutral and non-polar, at codon 1515 of the DNAH8 protein (p.Ile1515Val).